The following is an entry in ClinVar:

NM_012310.5(KIF4A):c.846G>C (p.Lys282Asn)

Gene: KIF4A (kinesin family member 4A; plus strand). Cytogenetic location: Xq13.1.
Variant type: single nucleotide variant.
Coding change: c.846G>C on transcript NM_012310.5 (MANE Select); coding-DNA position 846, G replaced by C.
Protein change: p.Lys282Asn; replaces lysine 282 with asparagine.
Molecular consequence: missense variant.
Genome position (GRCh38, 1-based): chrX:70,329,472, G>C. VCF-style: chrX-70329472-G-C. GRCh37 (hg19) VCF-style: chrX-69549322-G-C.
Other names: short protein forms K282N.
Identifiers: ClinVar variation 4540368 (VCV004540368.1).
Genomic context (GRCh38, chrX:70,329,472, plus strand): 5'-TATTAACCGAGGCCTCCTATGCTTGGGAAATGTAATCAGTGCTCTTGGAGATGACAAAAA[G>C]GGTGGCTTTGTGCCCTACAGAGATTCCAAGTTGACTCGACTGCTTCAAGGTAAGCCCAAA-3'
Protein context (NP_036442.3, residues 272-292): NVISALGDDK[Lys282Asn]GGFVPYRDSK

ClinVar aggregate classification (germline): Uncertain significance (1 of 4 stars; one submission).

Submission:

GeneDx
Classification: Uncertain significance. Last evaluated: 2025-06-26. Review status: criteria provided, single submitter. Criteria: GeneDx Variant Classification Process June 2021. Collection method: clinical testing. Allele origin: germline. Affected: yes.
Comment: Not observed at significant frequency in large population cohorts (gnomAD); In silico analysis suggests that this missense variant does not alter protein structure/function; Has not been previously published as pathogenic or benign to our knowledge